The following is an entry in ClinVar:

NM_001387430.1(SH2B1):c.1450A>G (p.Thr484Ala)

Gene: SH2B1 (SH2B adaptor protein 1; plus strand). Cytogenetic location: 16p11.2.
Variant type: single nucleotide variant.
Coding change: c.1450A>G on transcript NM_001387430.1 (MANE Select); coding-DNA position 1450, A replaced by G.
Protein change: p.Thr484Ala; replaces threonine 484 with alanine.
Molecular consequence: missense variant.
Genome position (GRCh38, 1-based): chr16:28,871,920, A>G. VCF-style: chr16-28871920-A-G. GRCh37 (hg19) VCF-style: chr16-28883241-A-G.
Other names: c.1450A>G, p.Thr484Ala (NM_001145795.2, NM_001145796.2, NM_001145797.2 and 4 more transcripts); c.442A>G, p.Thr148Ala (NM_001308294.2); short protein forms T148A, T484A.
Identifiers: ClinVar variation 1232867 (VCV001232867.13), dbSNP rs7498665, ClinGen allele CA7986210.
Genomic context (GRCh38, chr16:28,871,920, plus strand): 5'-TCGATGGAACTGCTTCCCCCAGAGTTGCCCCCCCGCATCCCCATTGAAGAGGGACCCCCA[A>G]CAGGGACAGTTCATCCCCTCTCAGCCCCCTACCCTCCCTTGGACACTCCGGAAACAGCCA-3'
Protein context (NP_001374359.1, residues 474-494): PRIPIEEGPP[Thr484Ala]GTVHPLSAPY

ClinVar aggregate classification (germline): Benign/Likely benign. Review status: criteria provided, multiple submitters, no conflicts (2 of 4 stars). 4 submissions from 4 submitters: Benign (3); Likely benign (1). Last evaluated 2026-02-04.

Allele frequency attached by ClinVar (database versions not stated): 1000 Genomes Project 0.26138; 1000 Genomes Project 30x 0.26749; TOPMed 0.33877; ESP Exome Variant Server 0.34385; gnomAD 0.35089; gnomAD exomes 0.35105 and 0.38048.
gnomAD v4.1: 589,117 of 1,565,774 alleles (38%); highest among the groups gnomAD compares: Admixed American, 47%; 114,338 homozygotes.

Submissions (4):

Labcorp Genetics (formerly Invitae), Labcorp
Classification: Benign. Last evaluated: 2026-02-04. Review status: criteria provided, single submitter. Criteria: Invitae Variant Classification Sherloc (09022015). Collection method: clinical testing. Allele origin: germline.

Blueprint Genetics
Classification: Likely benign. Last evaluated: 2024-11-27. Review status: criteria provided, single submitter. Criteria: ACMG Guidelines, 2015. Collection method: clinical testing. Allele origin: germline.

GeneDx
Classification: Benign. Last evaluated: 2021-01-19. Review status: criteria provided, single submitter. Criteria: GeneDx Variant Classification Process June 2021. Collection method: clinical testing. Allele origin: germline. Affected: yes.
Comment: This variant is associated with the following publications: (PMID: 19079261, 21912638, 23818875, 24971614, 23270367)

Breakthrough Genomics
Classification: Benign. Review status: criteria provided, single submitter. Criteria: ACMG Guidelines, 2015. Collection method: not provided. Allele origin: germline. Inheritance: Unknown mechanism. Affected: yes.